The following is an entry in ClinVar:

NM_182961.4(SYNE1):c.21952G>T (p.Ala7318Ser)

Gene: SYNE1 (spectrin repeat containing nuclear envelope protein 1; minus strand). Cytogenetic location: 6q25.2.
Variant type: single nucleotide variant.
Coding change: c.21952G>T on transcript NM_182961.4 (MANE Select); coding-DNA position 21952, G replaced by T.
Protein change: p.Ala7318Ser; replaces alanine 7318 with serine.
Molecular consequence: missense variant.
Genome position (GRCh38, 1-based): chr6:152,219,095, C>A on the plus strand (G>T on the coding strand, the complement: SYNE1 is on the minus strand). VCF-style: chr6-152219095-C-A. GRCh37 (hg19) VCF-style: chr6-152540230-C-A.
Other names: c.21739G>T, p.Ala7247Ser (NM_033071.5); short protein forms A7247S, A7318S.
Identifiers: ClinVar variation 3761485 (VCV003761485.2).

ClinVar aggregate classification (germline): Uncertain significance (1 of 4 stars; one submission).

Conditions:
Emery-Dreifuss muscular dystrophy 4, autosomal dominant (EDMD4). Also called: EMERY-DREIFUSS MUSCULAR DYSTROPHY 4 WITH VARIABLE FEATURES. Identifiers: Orphanet 261, MedGen C2751807, MONDO:0013071, OMIM 612998.
Autosomal recessive ataxia, Beauce type. Also called: Spinocerebellar ataxia, autosomal recessive 8; ATAXIA, RECESSIVE, OF BEAUCE; SYNE1-Related Autosomal Recessive Cerebellar Ataxia; SYNE1 Deficiency. Identifiers: Orphanet 88644, MedGen C1853116, MONDO:0012549, OMIM 610743.

gnomAD v4.1: 1 of 1,614,122 alleles (0.000062%); highest among the groups gnomAD compares: Non-Finnish European, 0.000085%; no homozygotes.

Submission:

Labcorp Genetics (formerly Invitae), Labcorp
Classification: Uncertain significance for Emery-Dreifuss muscular dystrophy 4, autosomal dominant; Autosomal recessive ataxia, Beauce type. Last evaluated: 2024-05-02. Review status: criteria provided, single submitter. Criteria: Invitae Variant Classification Sherloc (09022015). Collection method: clinical testing. Allele origin: germline.
Comment: This sequence change replaces alanine, which is neutral and non-polar, with serine, which is neutral and polar, at codon 7247 of the SYNE1 protein (p.Ala7247Ser). This variant is not present in population databases (gnomAD no frequency). This variant has not been reported in the literature in individuals affected with SYNE1-related conditions. An algorithm developed to predict the effect of missense changes on protein structure and function (PolyPhen-2) suggests that this variant is likely to be disruptive. In summary, the available evidence is currently insufficient to determine the role of this variant in disease. Therefore, it has been classified as a Variant of Uncertain Significance.